The following is an entry in ClinVar:

ClinVar aggregate classification (germline): Uncertain significance (1 of 4 stars; one submission).

Conditions:
Dyskeratosis congenita. Identifiers: Orphanet 1775, MedGen C0265965, MONDO:0015780.

Submission:

Labcorp Genetics (formerly Invitae), Labcorp
Classification: Uncertain significance for Dyskeratosis congenita. Last evaluated: 2021-04-27. Review status: criteria provided, single submitter. Criteria: Invitae Variant Classification Sherloc (09022015). Collection method: clinical testing. Allele origin: germline.
Comment: This sequence change replaces phenylalanine with valine at codon 680 of the CTC1 protein (p.Phe680Val). The phenylalanine residue is moderately conserved and there is a small physicochemical difference between phenylalanine and valine. This variant is not present in population databases (ExAC no frequency). This variant has not been reported in the literature in individuals with CTC1-related conditions. Algorithms developed to predict the effect of missense changes on protein structure and function are either unavailable or do not agree on the potential impact of this missense change (SIFT: "Deleterious"; PolyPhen-2: "Possibly Damaging"; Align-GVGD: "Class C0"). In summary, the available evidence is currently insufficient to determine the role of this variant in disease. Therefore, it has been classified as a Variant of Uncertain Significance.

NM_025099.6(CTC1):c.2038T>G (p.Phe680Val)

Gene: CTC1 (CST telomere replication complex component 1; minus strand). Cytogenetic location: 17p13.1.
Variant type: single nucleotide variant.
Coding change: c.2038T>G on transcript NM_025099.6 (MANE Select); coding-DNA position 2038, T replaced by G.
Protein change: p.Phe680Val; replaces phenylalanine 680 with valine.
Molecular consequence: missense variant. On other transcripts: non-coding transcript variant (1).
Genome position (GRCh38, 1-based): chr17:8,232,383, A>C on the plus strand (T>G on the coding strand, the complement: CTC1 is on the minus strand). VCF-style: chr17-8232383-A-C. GRCh37 (hg19) VCF-style: chr17-8135701-A-C.
Other names: short protein forms F680V.
Identifiers: ClinVar variation 1360287 (VCV001360287.7), dbSNP rs2151510882, ClinGen allele CA397979501.